The following is an entry in ClinVar:

ClinVar aggregate classification (germline): Conflicting classifications of pathogenicity. Review status: criteria provided, conflicting classifications (1 of 4 stars). 2 submissions from 2 submitters: Uncertain significance (1); Likely benign (1). Last evaluated 2022-10-19.

Conditions:
Global developmental delay (DD). Also called: Cognitive delay. Identifiers: MedGen C0557874, HP:0001263. Disease mechanism: loss of function.
Delayed speech and language development. Also called: Language delay. Identifiers: MedGen C0454644, HP:0000750.

Allele frequency attached by ClinVar (database versions not stated): gnomAD exomes 0.00001 and 0.00003; TOPMed 0.00003; gnomAD 0.00004.

Submissions (2):

Blueprint Genetics
Classification: Likely benign. Last evaluated: 2022-10-19. Review status: criteria provided, single submitter. Criteria: ACMG Guidelines, 2015. Collection method: clinical testing. Allele origin: germline.

Baylor Genetics
Classification: Uncertain significance for Global developmental delay; Delayed speech and language development. Last evaluated: 2017-06-11. Review status: criteria provided, single submitter. Criteria: ACMG Guidelines, 2015. Collection method: clinical testing. Allele origin: germline. Inheritance: Autosomal dominant inheritance. Affected: yes. Observed: 1 variant allele, 1 heterozygote.
Comment: This variant was reported as being of uncertain significance according to ACMG guidelines.

Literature cited by the submitters: PubMed 28649782 (cited by Baylor Genetics).

NM_004301.5(ACTL6A):c.679G>C (p.Glu227Gln)

Gene: ACTL6A (actin like 6A; plus strand). Cytogenetic location: 3q26.33.
Variant type: single nucleotide variant.
Coding change: c.679G>C on transcript NM_004301.5 (MANE Select); coding-DNA position 679, G replaced by C.
Protein change: p.Glu227Gln; replaces glutamic acid 227 with glutamine.
Molecular consequence: missense variant.
Genome position (GRCh38, 1-based): chr3:179,576,824, G>C. VCF-style: chr3-179576824-G-C. GRCh37 (hg19) VCF-style: chr3-179294612-G-C.
Other names: c.553G>C, p.Glu185Gln (NM_177989.4, NM_178042.4); short protein forms E185Q, E227Q.
Identifiers: ClinVar variation 545508 (VCV000545508.3), dbSNP rs1035631360, ClinGen allele CA88573168.
Genomic context (GRCh38, chr3:179,576,824, plus strand): 5'-CTAGCTCCCCCACCCCTATGAAGTGAACTCCATTAACCTAGCATCTCTTGGTACTCTCAG[G>C]AAGCTGTTCGTGAAGGATCTCCAGCAAACTGGAAAAGAAAAGAGAAGTTGCCTCAGGTTA-3'
Protein context (NP_004292.1, residues 217-237): LVPPYMIASK[Glu227Gln]AVREGSPANW